The following is an entry in ClinVar:

NM_000271.5(NPC1):c.69G>C (p.Gln23His)

Gene: NPC1 (NPC intracellular cholesterol transporter 1; minus strand). Cytogenetic location: 18q11.2.
Variant type: single nucleotide variant.
Coding change: c.69G>C on transcript NM_000271.5 (MANE Select); coding-DNA position 69, G replaced by C.
Protein change: p.Gln23His; replaces glutamine 23 with histidine.
Molecular consequence: missense variant.
Genome position (GRCh38, 1-based): chr18:23,573,563, C>G on the plus strand (G>C on the coding strand, the complement: NPC1 is on the minus strand). VCF-style: chr18-23573563-C-G. GRCh37 (hg19) VCF-style: chr18-21153527-C-G.
Other names: short protein forms Q23H.
Identifiers: ClinVar variation 4077287 (VCV004077287.1).

ClinVar aggregate classification (germline): Uncertain significance (1 of 4 stars; one submission).

gnomAD v4.1: 10 of 1,614,178 alleles (0.00062%); highest among the groups gnomAD compares: Non-Finnish European, 0.00076%; no homozygotes.

Submission:

GeneDx
Classification: Uncertain significance. Last evaluated: 2025-02-27. Review status: criteria provided, single submitter. Criteria: GeneDx Variant Classification Process June 2021. Collection method: clinical testing. Allele origin: germline. Affected: yes.
Comment: Not observed at significant frequency in large population cohorts (gnomAD); In silico analysis indicates that this missense variant does not alter protein structure/function; Has not been previously published as pathogenic or benign to our knowledge